The following is an entry in ClinVar:

NM_001211.6(BUB1B):c.2047T>A (p.Ser683Thr)

Gene: BUB1B (BUB1 mitotic checkpoint serine/threonine kinase B; plus strand). Cytogenetic location: 15q15.1.
Variant type: single nucleotide variant.
Coding change: c.2047T>A on transcript NM_001211.6 (MANE Select); coding-DNA position 2047, T replaced by A.
Protein change: p.Ser683Thr; replaces serine 683 with threonine.
Molecular consequence: missense variant.
Genome position (GRCh38, 1-based): chr15:40,208,674, T>A. VCF-style: chr15-40208674-T-A. GRCh37 (hg19) VCF-style: chr15-40500875-T-A.
Other names: short protein forms S683T.
Identifiers: ClinVar variation 1784998 (VCV001784998.2), dbSNP rs1286769327, ClinGen allele CA391693413.
Genomic context (GRCh38, chr15:40,208,674, plus strand): 5'-TAACTTATTTTTGATTCTTTTAGCCCAATTATTGAAGACAGTCGTGAAGCCACACACTCC[T>A]CTGGCTTCTCTGGTTCTTCTGCCTCGGTTGCAAGCACCTCCTCCATCAAATGTCTTCAAA-3'
Protein context (NP_001202.5, residues 673-693): IEDSREATHS[Ser683Thr]GFSGSSASVA

ClinVar aggregate classification (germline): Uncertain significance (1 of 4 stars; one submission).

Conditions:
Inborn genetic diseases. Identifiers: MedGen C0950123, MeSH D030342.

Submission:

Ambry Genetics
Classification: Uncertain significance for Inborn genetic diseases. Last evaluated: 2021-12-11. Review status: criteria provided, single submitter. Criteria: Ambry Variant Classification Scheme 2023. Collection method: clinical testing. Allele origin: germline.
Comment: The p.S683T variant (also known as c.2047T>A), located in coding exon 16 of the BUB1B gene, results from a T to A substitution at nucleotide position 2047. The serine at codon 683 is replaced by threonine, an amino acid with similar properties. This amino acid position is conserved. In addition, this alteration is predicted to be tolerated by in silico analysis. Since supporting evidence is limited at this time, the clinical significance of this alteration remains unclear.